The following is an entry in ClinVar:

NM_020693.4(DSCAML1):c.3640C>A (p.Pro1214Thr)

Gene: DSCAML1 (DS cell adhesion molecule like 1; minus strand). Cytogenetic location: 11q23.3.
Variant type: single nucleotide variant.
Coding change: c.3640C>A on transcript NM_020693.4 (MANE Select); coding-DNA position 3640, C replaced by A.
Protein change: p.Pro1214Thr; replaces proline 1214 with threonine.
Molecular consequence: missense variant.
Genome position (GRCh38, 1-based): chr11:117,450,617, G>T on the plus strand (C>A on the coding strand, the complement: DSCAML1 is on the minus strand). VCF-style: chr11-117450617-G-T. GRCh37 (hg19) VCF-style: chr11-117321333-G-T.
Other names: short protein forms P1214T.
Identifiers: ClinVar variation 2818170 (VCV002818170.3), dbSNP rs759229854, ClinGen allele CA382729624.

ClinVar aggregate classification (germline): Uncertain significance (1 of 4 stars; one submission).

gnomAD v4.1: 3 of 1,614,216 alleles (0.00019%); highest among the groups gnomAD compares: Non-Finnish European, 0.00025%; no homozygotes.

Submission:

Labcorp Genetics (formerly Invitae), Labcorp
Classification: Uncertain significance. Last evaluated: 2022-12-03. Review status: criteria provided, single submitter. Criteria: Invitae Variant Classification Sherloc (09022015). Collection method: clinical testing. Allele origin: germline.
Comment: In summary, the available evidence is currently insufficient to determine the role of this variant in disease. Therefore, it has been classified as a Variant of Uncertain Significance. Algorithms developed to predict the effect of missense changes on protein structure and function are either unavailable or do not agree on the potential impact of this missense change (SIFT: "Tolerated"; PolyPhen-2: "Probably Damaging"; Align-GVGD: "Class C0"). This variant has not been reported in the literature in individuals affected with DSCAML1-related conditions. This variant is not present in population databases (gnomAD no frequency). This sequence change replaces proline, which is neutral and non-polar, with threonine, which is neutral and polar, at codon 1274 of the DSCAML1 protein (p.Pro1274Thr).